The following is an entry in ClinVar:

ClinVar aggregate classification (germline): Uncertain significance (1 of 4 stars; one submission).

Conditions:
Developmental and epileptic encephalopathy, 12 (DEE12). Identifiers: MedGen C3150988, MONDO:0013389, OMIM 613722.

Allele frequency attached by ClinVar (database versions not stated): gnomAD exomes below 0.00001 and 0.00001; ExAC 0.00001; TOPMed 0.00001.

Submission:

Labcorp Genetics (formerly Invitae), Labcorp
Classification: Uncertain significance for Developmental and epileptic encephalopathy, 12. Last evaluated: 2018-09-01. Review status: criteria provided, single submitter. Criteria: Invitae Variant Classification Sherloc (09022015). Collection method: clinical testing. Allele origin: germline.
Comment: This sequence change replaces lysine with glutamic acid at codon 1058 of the PLCB1 protein (p.Lys1058Glu). The lysine residue is highly conserved and there is a small physicochemical difference between lysine and glutamic acid. The frequency data for this variant (rs771219955) in the population databases is unreliable, as metrics indicate poor quality at this position in the ExAC database. This variant has not been reported in the literature in individuals with a PLCB1-related disease. Algorithms developed to predict the effect of missense changes on protein structure and function do not agree on the potential impact of this missense change (SIFT: "Deleterious"; PolyPhen-2: "Benign"; Align-GVGD: "Class C0"). In summary, this variant is a missense change with uncertain impact on protein function. It has been classified as a Variant of Uncertain Significance.

NM_015192.4(PLCB1):c.3172A>G (p.Lys1058Glu)

Gene: PLCB1 (phospholipase C beta 1; plus strand). Cytogenetic location: 20p12.3.
Variant type: single nucleotide variant.
Coding change: c.3172A>G on transcript NM_015192.4 (MANE Select); coding-DNA position 3172, A replaced by G.
Protein change: p.Lys1058Glu; replaces lysine 1058 with glutamic acid.
Molecular consequence: missense variant.
Genome position (GRCh38, 1-based): chr20:8,788,509, A>G. VCF-style: chr20-8788509-A-G. GRCh37 (hg19) VCF-style: chr20-8769156-A-G.
Other names: c.3172A>G, p.Lys1058Glu (NM_182734.3); short protein forms K1058E.
Identifiers: ClinVar variation 410072 (VCV000410072.10), dbSNP rs771219955, ClinGen allele CA9760474.